The following is an entry in ClinVar:

ClinVar aggregate classification (germline): Uncertain significance. Review status: criteria provided, multiple submitters, no conflicts (2 of 4 stars). 2 submissions from 2 submitters: Uncertain significance (2). Last evaluated 2026-09-02.

Conditions:
Hereditary cancer-predisposing syndrome. Also called: Hereditary neoplastic syndrome; Neoplastic Syndromes, Hereditary; Tumor predisposition; Hereditary Cancer Syndrome. Identifiers: Orphanet 140162, MedGen C0027672, MeSH D009386, MONDO:0015356.

Submissions (2):

GeneDx
Classification: Uncertain significance. Last evaluated: 2026-09-02. Review status: criteria provided, single submitter. Criteria: GeneDx Variant Classification Process June 2021. Collection method: clinical testing. Allele origin: germline.
Comment: Not observed at significant frequency in large population cohorts (gnomAD); In silico analysis suggests that this missense variant does not alter protein structure/function; Has not been previously published as pathogenic or benign to our knowledge

Ambry Genetics
Classification: Uncertain significance for Hereditary cancer-predisposing syndrome. Last evaluated: 2021-07-25. Review status: criteria provided, single submitter. Criteria: Ambry Variant Classification Scheme 2023. Collection method: clinical testing. Allele origin: germline.
Comment: The p.I505V variant (also known as c.1513A>G), located in coding exon 10 of the CTNNA1 gene, results from an A to G substitution at nucleotide position 1513. The isoleucine at codon 505 is replaced by valine, an amino acid with highly similar properties. This amino acid position is conserved. In addition, this alteration is predicted to be tolerated by in silico analysis. Since supporting evidence is limited at this time, the clinical significance of this alteration remains unclear.

NM_001903.5(CTNNA1):c.1513A>G (p.Ile505Val)

Gene: CTNNA1 (catenin alpha 1; plus strand). Cytogenetic location: 5q31.2.
Variant type: single nucleotide variant.
Coding change: c.1513A>G on transcript NM_001903.5 (MANE Select); coding-DNA position 1513, A replaced by G.
Protein change: p.Ile505Val; replaces isoleucine 505 with valine.
Molecular consequence: missense variant.
Genome position (GRCh38, 1-based): chr5:138,917,865, A>G. VCF-style: chr5-138917865-A-G. GRCh37 (hg19) VCF-style: chr5-138253554-A-G.
Other names: c.1513A>G (NM_001903.3); c.1513A>G, p.Ile505Val (NM_001290307.3, NM_001323982.2, NM_001323983.1 and 2 more transcripts); c.1204A>G, p.Ile402Val (NM_001290309.3); c.1144A>G, p.Ile382Val (NM_001290310.3); c.403A>G, p.Ile135Val (NM_001290312.1, NM_001323987.1, NM_001323988.1 and 17 more transcripts); c.1420A>G, p.Ile474Val (NM_001323986.2); c.64A>G, p.Ile22Val (NM_001324006.1, NM_001324007.1, NM_001324008.1 and 2 more transcripts); c.310A>G, p.Ile104Val (NM_001324011.1); and 1 more; short protein forms I22V, I474V, I505V, I135V, I402V, I54V, I104V, I382V.
Identifiers: ClinVar variation 1774256 (VCV001774256.4), dbSNP rs2533591269, ClinGen allele CA361137356.